The following is an entry in ClinVar:

ClinVar aggregate classification (germline): Conflicting classifications of pathogenicity. Review status: criteria provided, conflicting classifications (1 of 4 stars). 3 submissions from 3 submitters: Uncertain significance (2); Likely benign (1). Last evaluated 2024-12-17.

Conditions:
Hereditary cancer-predisposing syndrome. Also called: Tumor predisposition; Neoplastic Syndromes, Hereditary; Hereditary Cancer Syndrome; Hereditary neoplastic syndrome. Identifiers: Orphanet 140162, MedGen C0027672, MeSH D009386, MONDO:0015356.
Ataxia-telangiectasia syndrome (AT). Also called: Cerebello-oculocutaneous telangiectasia; Immunodeficiency with ataxia telangiectasia; ATAXIA-TELANGIECTASIA, COMPLEMENTATION GROUP A; Ataxia-telangiectasia, complementation group D; AT, COMPLEMENTATION GROUP C; ATAXIA-TELANGIECTASIA, FRESNO VARIANT. Identifiers: Orphanet 100, MedGen C0004135, MONDO:0008840, OMIM 208900.

Submissions (3):

Ambry Genetics
Classification: Likely benign for Hereditary cancer-predisposing syndrome. Last evaluated: 2024-12-17. Review status: criteria provided, single submitter. Criteria: Ambry Variant Classification Scheme 2023. Collection method: clinical testing. Allele origin: germline.

Labcorp Genetics (formerly Invitae), Labcorp
Classification: Uncertain significance for Ataxia-telangiectasia syndrome. Last evaluated: 2024-10-30. Review status: criteria provided, single submitter. Criteria: Invitae Variant Classification Sherloc (09022015). Collection method: clinical testing. Allele origin: germline.
Comment: This sequence change replaces isoleucine, which is neutral and non-polar, with valine, which is neutral and non-polar, at codon 1792 of the ATM protein (p.Ile1792Val). This variant is not present in population databases (gnomAD no frequency). This variant has not been reported in the literature in individuals affected with ATM-related conditions. ClinVar contains an entry for this variant (Variation ID: 478967). Invitae Evidence Modeling of protein sequence and biophysical properties (such as structural, functional, and spatial information, amino acid conservation, physicochemical variation, residue mobility, and thermodynamic stability) indicates that this missense variant is not expected to disrupt ATM protein function with a negative predictive value of 95%. In summary, the available evidence is currently insufficient to determine the role of this variant in disease. Therefore, it has been classified as a Variant of Uncertain Significance.

Color Diagnostics, LLC DBA Color Health
Classification: Uncertain significance for Hereditary cancer-predisposing syndrome. Last evaluated: 2019-04-10. Review status: criteria provided, single submitter. Criteria: ACMG Guidelines, 2015. Collection method: clinical testing. Allele origin: germline.

NM_000051.4(ATM):c.5374A>G (p.Ile1792Val)

Gene: ATM (ATM serine/threonine kinase; plus strand). Cytogenetic location: 11q22.3.
Variant type: single nucleotide variant.
Coding change: c.5374A>G on transcript NM_000051.4 (MANE Select); coding-DNA position 5374, A replaced by G.
Protein change: p.Ile1792Val; replaces isoleucine 1792 with valine.
Molecular consequence: missense variant.
Genome position (GRCh38, 1-based): chr11:108,302,907, A>G. VCF-style: chr11-108302907-A-G. GRCh37 (hg19) VCF-style: chr11-108173634-A-G.
Other names: c.5374A>G, p.Ile1792Val (NM_001351834.2); short protein forms I1792V.
Identifiers: ClinVar variation 478967 (VCV000478967.14), dbSNP rs1555106405, ClinGen allele CA382543468.